The following is an entry in ClinVar:

NM_005222.4(DLX6):c.133_134insAACAGCCGC (p.Gln44_Pro45insGlnGlnPro)

Genes: DLX6 (distal-less homeobox 6; plus strand), DLX6-AS1 (DLX6 antisense RNA 1; minus strand). Cytogenetic location: 7q21.3.
Variant type: Insertion.
Coding change: c.133_134insAACAGCCGC on transcript NM_005222.4 (MANE Select); coding-DNA positions 133 to 134, AACAGCCGC inserted.
Protein change: p.Gln44_Pro45insGlnGlnPro.
Molecular consequence: inframe insertion.
Genome position: GRCh38 VCF-style: chr7-97006108-A-AGCAACAGCC. GRCh37 (hg19) VCF-style: chr7-96635420-A-AGCAACAGCC.
Identifiers: ClinVar variation 1398617 (VCV001398617.8), dbSNP rs1554340423, ClinGen allele CA844266410.

ClinVar aggregate classification (germline): Uncertain significance (1 of 4 stars; one submission).

Submission:

Labcorp Genetics (formerly Invitae), Labcorp
Classification: Uncertain significance. Last evaluated: 2021-02-01. Review status: criteria provided, single submitter. Criteria: Invitae Variant Classification Sherloc (09022015). Collection method: clinical testing. Allele origin: germline.
Comment: The frequency data for this variant in the population databases is considered unreliable, as metrics indicate insufficient coverage at this position in the ExAC database. In summary, the available evidence is currently insufficient to determine the role of this variant in disease. Therefore, it has been classified as a Variant of Uncertain Significance. Experimental studies and prediction algorithms are not available or were not evaluated, and the functional significance of this variant is currently unknown. This variant has not been reported in the literature in individuals with DLX6-related conditions. This variant, c.133_134insAACAGCCGC, results in the insertion of 3 amino acid(s) to the DLX6 protein (p.Gln44_Pro45insGlnGlnPro), but otherwise preserves the integrity of the reading frame.